The following is an entry in ClinVar:

NM_003466.4(PAX8):c.232G>A (p.Gly78Ser)

Genes: PAX8 (paired box 8; minus strand), PAX8-AS1 (PAX8 antisense RNA 1; plus strand). Cytogenetic location: 2q14.1.
Variant type: single nucleotide variant.
Coding change: c.232G>A on transcript NM_003466.4 (MANE Select); coding-DNA position 232, G replaced by A.
Protein change: p.Gly78Ser; replaces glycine 78 with serine.
Molecular consequence: missense variant.
Genome position (GRCh38, 1-based): chr2:113,244,584, C>T on the plus strand (G>A on the coding strand, the complement: PAX8 is on the minus strand). VCF-style: chr2-113244584-C-T. GRCh37 (hg19) VCF-style: chr2-114002161-C-T.
Other names: c.232G>A, p.Gly78Ser (NM_013952.4, NM_013953.4, NM_013992.4); short protein forms G78S.
Identifiers: ClinVar variation 4857250 (VCV004857250.1).

ClinVar aggregate classification (germline): Uncertain significance (1 of 4 stars; one submission).

Conditions:
Hypothyroidism, congenital, nongoitrous, 2 (CHNG2). Also called: Hypothyroidism, congenital, due to thyroid dysgenesis or hypoplasia. Identifiers: Orphanet 95712, MedGen C1869118, MONDO:0024264, OMIM 218700.

Submission:

MVZ Medizinische Genetik Mainz
Classification: Uncertain significance for Hypothyroidism, congenital, nongoitrous, 2. Last evaluated: 2024-06-03. Review status: criteria provided, single submitter. Criteria: UK Practice Guidelines For Variant Classification V4 01 2020. Collection method: clinical testing. Allele origin: germline. Inheritance: Autosomal dominant inheritance. Affected: yes. Observed: 1 variant allele.
Comment: ACMG Criteria: PP3_STR,PM2_SUP